The following is an entry in ClinVar:

NM_000182.5(HADHA):c.1524G>A (p.Leu508=)

Genes: GAREM2 (GRB2 associated regulator of MAPK1 subtype 2; plus strand), HADHA (hydroxyacyl-CoA dehydrogenase trifunctional multienzyme complex subunit alpha; minus strand). Cytogenetic location: 2p23.3.
Variant type: single nucleotide variant.
Coding change: c.1524G>A on transcript NM_000182.5 (MANE Select); coding-DNA position 1524, G replaced by A.
Protein change: p.Leu508=; no amino-acid change (leucine 508 retained).
Molecular consequence: synonymous variant.
Genome position (GRCh38, 1-based): chr2:26,195,188, C>T on the plus strand (G>A on the coding strand, the complement: HADHA is on the minus strand). VCF-style: chr2-26195188-C-T. GRCh37 (hg19) VCF-style: chr2-26418057-C-T.
Other names: c.1524G>A (NM_000182.4).
Identifiers: ClinVar variation 1623644 (VCV001623644.9), dbSNP rs748881184, ClinGen allele CA1559540.

ClinVar aggregate classification (germline): Likely benign. Review status: criteria provided, multiple submitters, no conflicts (2 of 4 stars). 2 submissions from 2 submitters: Likely benign (2). Last evaluated 2026-07-01.

Conditions:
HADHA-related disorder. Also called: HADHA-related disorders; HADHA-related condition.
Long chain 3-hydroxyacyl-CoA dehydrogenase deficiency. Also called: LCHAD Deficiency; Deficiency of long-chain 3-hydroxyacyl-coenzyme A dehydrogenase. Identifiers: Orphanet 5, MedGen C3711645, MONDO:0012173, OMIM 609016.
Mitochondrial trifunctional protein deficiency. Identifiers: Orphanet 746, MedGen C1969443, MONDO:0012172.

Allele frequency attached by ClinVar (database versions not stated): gnomAD exomes below 0.00001 and 0.00001; gnomAD 0.00001; ExAC 0.00002.
gnomAD v4.1: 7 of 1,611,984 alleles (0.00043%); highest among the groups gnomAD compares: South Asian, 0.0077%; no homozygotes.

Submissions (2):

PreventionGenetics, part of Exact Sciences
Classification: Likely benign for HADHA-related condition. Last evaluated: 2026-07-01. Review status: criteria provided, single submitter. Criteria: ACMG Guidelines, 2015. Collection method: clinical testing. Allele origin: germline.
Comment: This variant is classified as likely benign based on ACMG/AMP sequence variant interpretation guidelines (Richards et al. 2015 PMID: 25741868, with internal and published modifications).

Labcorp Genetics (formerly Invitae), Labcorp
Classification: Likely benign for Mitochondrial trifunctional protein deficiency; Long chain 3-hydroxyacyl-CoA dehydrogenase deficiency. Last evaluated: 2025-01-15. Review status: criteria provided, single submitter. Criteria: Invitae Variant Classification Sherloc (09022015). Collection method: clinical testing. Allele origin: germline.